The following is an entry in ClinVar:

ClinVar aggregate classification (germline): Uncertain significance (1 of 4 stars; one submission).

Conditions:
Hereditary cancer-predisposing syndrome. Also called: Neoplastic Syndromes, Hereditary; Hereditary Cancer Syndrome; Tumor predisposition; Hereditary neoplastic syndrome. Identifiers: Orphanet 140162, MedGen C0027672, MeSH D009386, MONDO:0015356.

Submission:

Ambry Genetics
Classification: Uncertain significance for Hereditary cancer-predisposing syndrome. Last evaluated: 2025-01-27. Review status: criteria provided, single submitter. Criteria: Ambry Variant Classification Scheme 2023. Collection method: clinical testing. Allele origin: germline.
Comment: The p.D184G variant (also known as c.551A>G), located in coding exon 7 of the SMARCE1 gene, results from an A to G substitution at nucleotide position 551. The aspartic acid at codon 184 is replaced by glycine, an amino acid with similar properties. This amino acid position is conserved. In addition, the in silico prediction for this alteration is inconclusive. Based on the available evidence, the clinical significance of this variant remains unclear.

NM_003079.5(SMARCE1):c.551A>G (p.Asp184Gly)

Gene: SMARCE1 (SWI/SNF related BAF chromatin remodeling complex subunit E1; minus strand). Cytogenetic location: 17q21.2.
Variant type: single nucleotide variant.
Coding change: c.551A>G on transcript NM_003079.5 (MANE Select); coding-DNA position 551, A replaced by G.
Protein change: p.Asp184Gly; replaces aspartic acid 184 with glycine.
Molecular consequence: missense variant.
Genome position (GRCh38, 1-based): chr17:40,632,358, T>C on the plus strand (A>G on the coding strand, the complement: SMARCE1 is on the minus strand). VCF-style: chr17-40632358-T-C. GRCh37 (hg19) VCF-style: chr17-38788610-T-C.
Other names: short protein forms D184G.
Identifiers: ClinVar variation 3799019 (VCV003799019.1).